The following is an entry in ClinVar:

ClinVar aggregate classification (germline): Uncertain significance (1 of 4 stars; one submission).

Conditions:
Hypertrophic cardiomyopathy. Also called: HYPERTROPHIC MYOCARDIOPATHY. Identifiers: Orphanet 217569, MedGen C0007194, MeSH D002312, MONDO:0005045, HP:0001639.

Submission:

Labcorp Genetics (formerly Invitae), Labcorp
Classification: Uncertain significance for Hypertrophic cardiomyopathy. Last evaluated: 2022-07-25. Review status: criteria provided, single submitter. Criteria: Invitae Variant Classification Sherloc (09022015). Collection method: clinical testing. Allele origin: germline.
Comment: This sequence change replaces valine, which is neutral and non-polar, with leucine, which is neutral and non-polar, at codon 753 of the MYBPC3 protein (p.Val753Leu). This variant is not present in population databases (gnomAD no frequency). This variant has not been reported in the literature in individuals affected with MYBPC3-related conditions. ClinVar contains an entry for this variant (Variation ID: 1471316). Algorithms developed to predict the effect of missense changes on protein structure and function are either unavailable or do not agree on the potential impact of this missense change (SIFT: "Deleterious"; PolyPhen-2: "Benign"; Align-GVGD: "Class C25"). In summary, the available evidence is currently insufficient to determine the role of this variant in disease. Therefore, it has been classified as a Variant of Uncertain Significance.

NM_000256.3(MYBPC3):c.2257G>C (p.Val753Leu)

Gene: MYBPC3 (myosin binding protein C3; minus strand). Cytogenetic location: 11p11.2.
Variant type: single nucleotide variant.
Coding change: c.2257G>C on transcript NM_000256.3 (MANE Select); coding-DNA position 2257, G replaced by C.
Protein change: p.Val753Leu; replaces valine 753 with leucine.
Molecular consequence: missense variant.
Genome position (GRCh38, 1-based): chr11:47,338,571, C>G on the plus strand (G>C on the coding strand, the complement: MYBPC3 is on the minus strand). VCF-style: chr11-47338571-C-G. GRCh37 (hg19) VCF-style: chr11-47360122-C-G.
Other names: short protein forms V753L.
Identifiers: ClinVar variation 1471316 (VCV001471316.8), dbSNP rs2142856577, ClinGen allele CA380320243.
Genomic context (GRCh38, chr11:47,338,571, plus strand): 5'-CGGCCTCACCGATGACCTTGACTGTGAGGTTGACCTGGTCCTCGCCCACAGGGTTCTTCA[C>G]TGTGACCGTGTAGACGCCCTCATCTTCCTTCTCTGCCCCCTCGACCGTGAAGATGCTGCG-3'
Protein context (NP_000247.2, residues 743-763): KEDEGVYTVT[Val753Leu]KNPVGEDQVN